The following is an entry in ClinVar:

ClinVar aggregate classification (germline): Likely benign. Review status: criteria provided, single submitter (1 of 4 stars). 2 submissions from 2 submitters: Likely benign (1). 1 of the submissions does not count toward it. Last evaluated 2024-06-12.

Conditions:
PLXNA1-related disorder. Also called: PLXNA1-related condition.

gnomAD v4.1: 71 of 1,596,378 alleles (0.0044%); highest among the groups gnomAD compares: Non-Finnish European, 0.0056%; no homozygotes.

Submissions (2):

Labcorp Genetics (formerly Invitae), Labcorp
Classification: Likely benign. Last evaluated: 2024-06-12. Review status: criteria provided, single submitter. Criteria: Invitae Variant Classification Sherloc (09022015). Collection method: clinical testing. Allele origin: germline.

PreventionGenetics, part of Exact Sciences
Classification: Likely benign for PLXNA1-related condition. Last evaluated: 2023-05-24. Review status: no assertion criteria provided. Collection method: clinical testing. Allele origin: germline. Not counted in ClinVar's aggregate classification.
Comment: This variant is classified as likely benign based on ACMG/AMP sequence variant interpretation guidelines (Richards et al. 2015 PMID: 25741868, with internal and published modifications).

NM_032242.4(PLXNA1):c.2499C>T (p.Ala833=)

Gene: PLXNA1 (plexin A1; plus strand). Cytogenetic location: 3q21.3.
Variant type: single nucleotide variant.
Coding change: c.2499C>T on transcript NM_032242.4 (MANE Select); coding-DNA position 2499, C replaced by T.
Protein change: p.Ala833=; no amino-acid change (alanine 833 retained).
Molecular consequence: synonymous variant.
Genome position (GRCh38, 1-based): chr3:127,014,270, C>T. VCF-style: chr3-127014270-C-T. GRCh37 (hg19) VCF-style: chr3-126733113-C-T.
Identifiers: ClinVar variation 3055074 (VCV003055074.4), dbSNP rs556418302, ClinGen allele CA2593649.
Genomic context (GRCh38, chr3:127,014,270, plus strand): 5'-CGAGAGCTGCGGCCTCTGCCTCAAGGCCGACCCGCGCTTCGAGTGCGGATGGTGCGTGGC[C>T]GAGCGCCGCTGCTCCCTGCGACACCACTGCGCTGCCGACACACCTGCATCGTGGATGCAC-3'
Protein context (NP_115618.3, residues 823-843): DPRFECGWCV[Ala833=]ERRCSLRHHC